The following is an entry in ClinVar:

ClinVar aggregate classification (germline): Uncertain significance (1 of 4 stars; one submission).

Allele frequency attached by ClinVar (database versions not stated): TOPMed below 0.00001; gnomAD exomes below 0.00001.
gnomAD v4.1: 1 of 1,613,172 alleles (0.000062%); highest among the groups gnomAD compares: Non-Finnish European, 0.000085%; no homozygotes.

Submission:

Labcorp Genetics (formerly Invitae), Labcorp
Classification: Uncertain significance. Last evaluated: 2025-10-11. Review status: criteria provided, single submitter. Criteria: Invitae Variant Classification Sherloc (09022015). Collection method: clinical testing. Allele origin: germline.
Comment: This sequence change replaces asparagine, which is neutral and polar, with aspartic acid, which is acidic and polar, at codon 2105 of the HMCN1 protein (p.Asn2105Asp). This variant is not present in population databases (gnomAD no frequency). This variant has not been reported in the literature in individuals affected with HMCN1-related conditions. ClinVar contains an entry for this variant (Variation ID: 2793679). An algorithm developed to predict the effect of missense changes on protein structure and function (PolyPhen-2) suggests that this variant is likely to be disruptive. In summary, the available evidence is currently insufficient to determine the role of this variant in disease. Therefore, it has been classified as a Variant of Uncertain Significance.

NM_031935.3(HMCN1):c.6313A>G (p.Asn2105Asp)

Gene: HMCN1 (hemicentin 1; plus strand). Cytogenetic location: 1q31.1.
Variant type: single nucleotide variant.
Coding change: c.6313A>G on transcript NM_031935.3 (MANE Select); coding-DNA position 6313, A replaced by G.
Protein change: p.Asn2105Asp; replaces asparagine 2105 with aspartic acid.
Molecular consequence: missense variant.
Genome position (GRCh38, 1-based): chr1:186,045,696, A>G. VCF-style: chr1-186045696-A-G. GRCh37 (hg19) VCF-style: chr1-186014828-A-G.
Other names: short protein forms N2105D.
Identifiers: ClinVar variation 2793679 (VCV002793679.3), dbSNP rs1656514734, ClinGen allele CA343899648.